The following is an entry in ClinVar:

NM_005029.4(PITX3):c.185A>G (p.Gln62Arg)

Genes: GBF1 (golgi brefeldin A resistant guanine nucleotide exchange factor 1; plus strand), PITX3 (paired like homeodomain 3; minus strand). Cytogenetic location: 10q24.32.
Variant type: single nucleotide variant.
Coding change: c.185A>G on transcript NM_005029.4 (MANE Select); coding-DNA position 185, A replaced by G.
Protein change: p.Gln62Arg; replaces glutamine 62 with arginine.
Molecular consequence: missense variant. On other transcripts: intron variant (2).
Genome position (GRCh38, 1-based): chr10:102,231,724, T>C on the plus strand (A>G on the coding strand, the complement: PITX3 is on the minus strand). VCF-style: chr10-102231724-T-C. GRCh37 (hg19) VCF-style: chr10-103991481-T-C.
Other names: c.-149+808T>C (NM_001391924.1); c.-11+808T>C (NM_001391923.1); short protein forms Q62R.
Identifiers: ClinVar variation 3015982 (VCV003015982.3), dbSNP rs2070244293, ClinGen allele CA378162962.

ClinVar aggregate classification (germline): Uncertain significance (1 of 4 stars; one submission).

Allele frequency attached by ClinVar (database versions not stated): gnomAD exomes below 0.00001; gnomAD 0.00001.
gnomAD v4.1: 5 of 1,610,468 alleles (0.00031%); highest among the groups gnomAD compares: African/African-American, 0.004%; no homozygotes.

Submission:

Labcorp Genetics (formerly Invitae), Labcorp
Classification: Uncertain significance. Last evaluated: 2023-12-27. Review status: criteria provided, single submitter. Criteria: Invitae Variant Classification Sherloc (09022015). Collection method: clinical testing. Allele origin: germline.
Comment: This sequence change replaces glutamine, which is neutral and polar, with arginine, which is basic and polar, at codon 62 of the PITX3 protein (p.Gln62Arg). This variant is not present in population databases (gnomAD no frequency). This variant has not been reported in the literature in individuals affected with PITX3-related conditions. An algorithm developed to predict the effect of missense changes on protein structure and function (PolyPhen-2) suggests that this variant is likely to be tolerated. In summary, the available evidence is currently insufficient to determine the role of this variant in disease. Therefore, it has been classified as a Variant of Uncertain Significance.